The following is an entry in ClinVar:

ClinVar aggregate classification (germline): Likely benign. Review status: criteria provided, multiple submitters, no conflicts (2 of 4 stars). 5 submissions from 5 submitters: Likely benign (5). Last evaluated 2026-08-20.

Conditions:
AARS1-related disorder. Also called: AARS1-related condition.
Inborn genetic diseases. Identifiers: MedGen C0950123, MeSH D030342.
Charcot-Marie-Tooth disease type 2. Also called: Charcot-Marie-Tooth type 2. Identifiers: Orphanet 64746, MedGen C0270914, MONDO:0018993.

Allele frequency attached by ClinVar (database versions not stated): gnomAD exomes 0.00001 and 0.00004; TOPMed 0.00004; ExAC 0.00006; gnomAD 0.00006; ESP Exome Variant Server 0.00015.
gnomAD v4.1: 65 of 1,604,836 alleles (0.0041%); highest among the groups gnomAD compares: Non-Finnish European, 0.0053%; no homozygotes.

Submissions (5):

PreventionGenetics, part of Exact Sciences
Classification: Likely benign for AARS1-related condition. Last evaluated: 2026-08-20. Review status: criteria provided, single submitter. Criteria: ACMG Guidelines, 2015. Collection method: clinical testing. Allele origin: germline.
Comment: This variant is classified as likely benign based on ACMG/AMP sequence variant interpretation guidelines (Richards et al. 2015 PMID: 25741868, with internal and published modifications).

CeGaT Center for Human Genetics Tuebingen
Classification: Likely benign. Last evaluated: 2026-07-01. Review status: criteria provided, single submitter. Criteria: CeGaT Center For Human Genetics Tuebingen Variant Classification Criteria Version 2. Collection method: clinical testing. Allele origin: germline. Affected: yes. Observed: 1 variant allele.
Comment: AARS1: BP4, BP7

Labcorp Genetics (formerly Invitae), Labcorp
Classification: Likely benign for Charcot-Marie-Tooth disease type 2. Last evaluated: 2025-12-03. Review status: criteria provided, single submitter. Criteria: Invitae Variant Classification Sherloc (09022015). Collection method: clinical testing. Allele origin: germline.

Mayo Clinic Laboratories, Mayo Clinic
Classification: Likely benign. Last evaluated: 2024-09-05. Review status: criteria provided, single submitter. Criteria: ACMG Guidelines, 2015. Collection method: clinical testing. Allele origin: germline. Observed: 1 variant allele.
Comment: BP4, BP7

Ambry Genetics
Classification: Likely benign for Inborn genetic diseases. Last evaluated: 2019-07-11. Review status: criteria provided, single submitter. Criteria: Ambry Variant Classification Scheme 2023. Collection method: clinical testing. Allele origin: germline.

NM_001605.3(AARS1):c.2028G>A (p.Ala676=)

Gene: AARS1 (alanyl-tRNA synthetase 1; minus strand). Cytogenetic location: 16q22.1.
Variant type: single nucleotide variant.
Coding change: c.2028G>A on transcript NM_001605.3 (MANE Select); coding-DNA position 2028, G replaced by A.
Protein change: p.Ala676=; no amino-acid change (alanine 676 retained).
Molecular consequence: synonymous variant.
Genome position (GRCh38, 1-based): chr16:70,258,182, C>T on the plus strand (G>A on the coding strand, the complement: AARS1 is on the minus strand). VCF-style: chr16-70258182-C-T. GRCh37 (hg19) VCF-style: chr16-70292085-C-T.
Other names: p.Ala676=.
Identifiers: ClinVar variation 476737 (VCV000476737.15), dbSNP rs376280288, ClinGen allele CA8140580.